The following is an entry in ClinVar:

ClinVar aggregate classification (germline): Uncertain significance (1 of 4 stars; one submission).

Allele frequency attached by ClinVar (database versions not stated): TOPMed below 0.00001.

Submission:

GeneDx
Classification: Uncertain significance. Last evaluated: 2025-03-05. Review status: criteria provided, single submitter. Criteria: GeneDx Variant Classification Process June 2021. Collection method: clinical testing. Allele origin: germline.
Comment: Not observed at significant frequency in large population cohorts (gnomAD); In silico analysis indicates that this missense variant does not alter protein structure/function; Has not been previously published as pathogenic or benign to our knowledge

NM_138927.4(SON):c.5182A>G (p.Ile1728Val)

Gene: SON (SON DNA and RNA binding protein; plus strand). Cytogenetic location: 21q22.11.
Variant type: single nucleotide variant.
Coding change: c.5182A>G on transcript NM_138927.4 (MANE Select); coding-DNA position 5182, A replaced by G.
Protein change: p.Ile1728Val; replaces isoleucine 1728 with valine.
Molecular consequence: missense variant. On other transcripts: non-coding transcript variant (1), intron variant (1).
Genome position (GRCh38, 1-based): chr21:33,554,413, A>G. VCF-style: chr21-33554413-A-G. GRCh37 (hg19) VCF-style: chr21-34926719-A-G.
Other names: c.5182A>G, p.Ile1728Val (NM_001291411.2, NM_032195.3); c.245-2743A>G (NM_001291412.3); short protein forms I1728V.
Identifiers: ClinVar variation 3252493 (VCV003252493.2), dbSNP rs1237269717.